The following is an entry in ClinVar:

ClinVar aggregate classification (germline): Uncertain significance (1 of 4 stars; one submission).

Allele frequency attached by ClinVar (database versions not stated): gnomAD exomes below 0.00001; ExAC 0.00002.
gnomAD v4.1: 7 of 1,614,018 alleles (0.00043%); highest among the groups gnomAD compares: South Asian, 0.0011%; no homozygotes.

Submission:

Labcorp Genetics (formerly Invitae), Labcorp
Classification: Uncertain significance. Last evaluated: 2022-11-04. Review status: criteria provided, single submitter. Criteria: Invitae Variant Classification Sherloc (09022015). Collection method: clinical testing. Allele origin: germline.
Comment: This sequence change replaces threonine, which is neutral and polar, with alanine, which is neutral and non-polar, at codon 505 of the RUNX2 protein (p.Thr505Ala). This variant is present in population databases (rs753025447, gnomAD 0.003%). This variant has not been reported in the literature in individuals affected with RUNX2-related conditions. Advanced modeling of protein sequence and biophysical properties (such as structural, functional, and spatial information, amino acid conservation, physicochemical variation, residue mobility, and thermodynamic stability) performed at Invitae indicates that this missense variant is not expected to disrupt RUNX2 protein function. In summary, the available evidence is currently insufficient to determine the role of this variant in disease. Therefore, it has been classified as a Variant of Uncertain Significance.

NM_001024630.4(RUNX2):c.1513A>G (p.Thr505Ala)

Gene: RUNX2 (RUNX family transcription factor 2; plus strand). Cytogenetic location: 6p21.1.
Variant type: single nucleotide variant.
Coding change: c.1513A>G on transcript NM_001024630.4 (MANE Select); coding-DNA position 1513, A replaced by G.
Protein change: p.Thr505Ala; replaces threonine 505 with alanine.
Molecular consequence: missense variant.
Genome position (GRCh38, 1-based): chr6:45,547,252, A>G. VCF-style: chr6-45547252-A-G. GRCh37 (hg19) VCF-style: chr6-45514989-A-G.
Other names: c.1447A>G, p.Thr483Ala (NM_001015051.4); c.1405A>G, p.Thr469Ala (NM_001278478.2); c.1471A>G, p.Thr491Ala (NM_001369405.1, NM_004348.3); short protein forms T483A, T491A, T469A, T505A.
Identifiers: ClinVar variation 2874215 (VCV002874215.3), dbSNP rs753025447, ClinGen allele CA3836642.